The following is an entry in ClinVar:

ClinVar aggregate classification (germline): Likely benign. Review status: criteria provided, multiple submitters, no conflicts (2 of 4 stars). 3 submissions from 3 submitters: Likely benign (3). Last evaluated 2024-06-04.

Conditions:
Spastic paraplegia. Identifiers: MedGen C0037772, HP:0001258.

Allele frequency attached by ClinVar (database versions not stated): gnomAD exomes below 0.00001.

Submissions (3):

Blueprint Genetics
Classification: Likely benign. Last evaluated: 2024-06-04. Review status: criteria provided, single submitter. Criteria: ACMG Guidelines, 2015. Collection method: clinical testing. Allele origin: germline.

Labcorp Genetics (formerly Invitae), Labcorp
Classification: Likely benign for Spastic paraplegia. Last evaluated: 2022-09-15. Review status: criteria provided, single submitter. Criteria: Invitae Variant Classification Sherloc (09022015). Collection method: clinical testing. Allele origin: germline.

CeGaT Center for Human Genetics Tuebingen
Classification: Likely benign. Last evaluated: 2022-08-01. Review status: criteria provided, single submitter. Criteria: CeGaT Center For Human Genetics Tuebingen Variant Classification Criteria Version 2. Collection method: clinical testing. Allele origin: germline. Affected: yes. Observed: 1 variant allele.
Comment: KDM5C: PM2:Supporting, BP4, BP7

NM_004187.5(KDM5C):c.3490C>T (p.Leu1164=)

Gene: KDM5C (lysine demethylase 5C; minus strand). Cytogenetic location: Xp11.22.
Variant type: single nucleotide variant.
Coding change: c.3490C>T on transcript NM_004187.5 (MANE Select); coding-DNA position 3490, C replaced by T.
Protein change: p.Leu1164=; no amino-acid change (leucine 1164 retained).
Molecular consequence: synonymous variant. On other transcripts: non-coding transcript variant (3).
Genome position (GRCh38, 1-based): chrX:53,194,687, G>A on the plus strand (C>T on the coding strand, the complement: KDM5C is on the minus strand). VCF-style: chrX-53194687-G-A. GRCh37 (hg19) VCF-style: chrX-53223869-G-A.
Other names: c.3289C>T, p.Leu1097= (NM_001146702.2); c.3487C>T, p.Leu1163= (NM_001282622.3, NM_001353979.2, NM_001353982.2); c.3490C>T, p.Leu1164= (NM_001353978.3, NM_001353981.2, NM_001353984.2).
Identifiers: ClinVar variation 1603671 (VCV001603671.33), dbSNP rs2146823630, ClinGen allele CA516672716.
Genomic context (GRCh38, chrX:53,194,687, plus strand): 5'-TAGAGGAGGCCGTGCTCGATGATGCCAGTGGACTGGGCTTGGCCGAATTGGTGCGACGCA[G>A]CTGCAGGATACCCTCCTTCTCCTTCTGTTCCCCCTCCTTGAAGGCCACGATCTGCCATAC-3'
Protein context (NP_004178.2, residues 1154-1174): EQKEKEGILQ[Leu1164=]RRTNSAKPSP